The following is an entry in ClinVar:

ClinVar aggregate classification (germline): Conflicting classifications of pathogenicity. Review status: criteria provided, conflicting classifications (1 of 4 stars). 5 submissions from 5 submitters: Likely pathogenic (1); Uncertain significance (3). 1 of the submissions does not count toward it. Last evaluated 2025-10-16.

Conditions:
Hydrolethalus syndrome 1 (HLS1). Identifiers: Orphanet 2189, MedGen C1856016, MONDO:0009365, OMIM 236680.
Inborn genetic diseases. Identifiers: MedGen C0950123, MeSH D030342.
Hydrolethalus syndrome. Identifiers: Orphanet 2189, MedGen C2931104, MONDO:0006037.

Allele frequency attached by ClinVar (database versions not stated): TOPMed 0.00006; gnomAD 0.00007; gnomAD exomes 0.00007 and 0.00008; ESP Exome Variant Server 0.00008; ExAC 0.00011.
gnomAD v4.1: 110 of 1,614,064 alleles (0.0068%); highest among the groups gnomAD compares: Non-Finnish European, 0.0081%; no homozygotes.

Submissions (5):

Natera, Inc.
Classification: Likely pathogenic for Hydrolethalus syndrome. Last evaluated: 2025-10-16. Review status: criteria provided, single submitter. Criteria: Natera Variant Classification Schema (03/2026). Collection method: clinical testing. Allele origin: germline.
Comment: The c.55C>T variant in HYLS1 is a nonsense variant predicted to introduce a stop codon at amino acid 19. This variant is expected to result in nonsense mediated decay, truncation, or a dysfunctional protein product. This variant is rare in the general population with a frequency below the threshold expected for the associated phenotype(s). Given the available evidence, this variant is classified as Likely Pathogenic.

Labcorp Genetics (formerly Invitae), Labcorp
Classification: Uncertain significance. Last evaluated: 2024-01-22. Review status: criteria provided, single submitter. Criteria: Invitae Variant Classification Sherloc (09022015). Collection method: clinical testing. Allele origin: germline.
Comment: This sequence change creates a premature translational stop signal (p.Arg19*) in the HYLS1 gene. While this is not anticipated to result in nonsense mediated decay, it is expected to disrupt the last 281 amino acid(s) of the HYLS1 protein. This variant is present in population databases (rs143088549, gnomAD 0.01%). This variant has not been reported in the literature in individuals affected with HYLS1-related conditions. ClinVar contains an entry for this variant (Variation ID: 557012). In summary, the available evidence is currently insufficient to determine the role of this variant in disease. Therefore, it has been classified as a Variant of Uncertain Significance.

Fulgent Genetics
Classification: Uncertain significance for Hydrolethalus syndrome 1. Last evaluated: 2022-05-02. Review status: criteria provided, single submitter. Criteria: ACMG Guidelines, 2015. Collection method: clinical testing. Allele origin: unknown.

Ambry Genetics
Classification: Uncertain significance for Inborn genetic diseases. Last evaluated: 2021-07-30. Review status: criteria provided, single submitter. Criteria: Ambry Variant Classification Scheme 2023. Collection method: clinical testing. Allele origin: germline.
Comment: The c.55C>T (p.R19*) alteration, located in exon 4 (coding exon 1) of the HYLS1 gene, consists of a C to T substitution at nucleotide position 55. This changes the amino acid from a arginine (R) to a stop codon at amino acid position 19. Premature stop codons are typically deleterious in nature (Richards, 2015). Based on insufficient or conflicting evidence, the clinical significance of this alteration remains unclear.

Counsyl
Classification: Uncertain significance for Hydrolethalus syndrome 1. Last evaluated: 2018-03-02. Review status: no assertion criteria provided. Collection method: clinical testing. Allele origin: unknown. Not counted in ClinVar's aggregate classification.

NM_001134793.2(HYLS1):c.55C>T (p.Arg19Ter)

Genes: HYLS1 (HYLS1 centriolar and ciliogenesis associated; plus strand), PUS3 (pseudouridine synthase 3; minus strand). Cytogenetic location: 11q24.2.
Variant type: single nucleotide variant.
Coding change: c.55C>T on transcript NM_001134793.2 (MANE Select); coding-DNA position 55, C replaced by T.
Protein change: p.Arg19Ter; replaces arginine 19 with a stop codon.
Molecular consequence: nonsense. On other transcripts: intron variant (2).
Genome position (GRCh38, 1-based): chr11:125,899,423, C>T. VCF-style: chr11-125899423-C-T. GRCh37 (hg19) VCF-style: chr11-125769318-C-T.
Other names: c.55C>T, p.Arg19Ter (NM_001377269.1, NM_001377270.1, NM_001424364.1 and 1 more transcripts); c.-246-3634G>A (NM_001271985.2); c.-46-3093G>A (NM_031307.4); short protein forms R19*.
Identifiers: ClinVar variation 557012 (VCV000557012.7), dbSNP rs143088549, ClinGen allele CA6350649.